The following is an entry in ClinVar:

ClinVar aggregate classification (germline): Likely pathogenic (1 of 4 stars; one submission).

Conditions:
Dilated cardiomyopathy 1G (CMD1G). Identifiers: Orphanet 154, MedGen C1858763, MONDO:0011400, OMIM 604145.
Autosomal recessive limb-girdle muscular dystrophy type 2J (LGMDR10). Also called: Limb-girdle muscular dystrophy, type 2J; MUSCULAR DYSTROPHY, LIMB-GIRDLE, AUTOSOMAL RECESSIVE 10. Identifiers: Orphanet 140922, MedGen C1837342, MONDO:0012127, OMIM 608807.

Submission:

Labcorp Genetics (formerly Invitae), Labcorp
Classification: Likely pathogenic for Dilated cardiomyopathy 1G; Autosomal recessive limb-girdle muscular dystrophy type 2J. Last evaluated: 2024-10-18. Review status: criteria provided, single submitter. Criteria: Invitae Variant Classification Sherloc (09022015). Collection method: clinical testing. Allele origin: germline.
Comment: This sequence change affects a donor splice site in intron 106 of the TTN gene. It is expected to disrupt RNA splicing and likely results in a truncated or disrupted TTN protein. This variant is not present in population databases (gnomAD no frequency). This variant has not been reported in the literature in individuals affected with TTN-related conditions. ClinVar contains an entry for this variant (Variation ID: 2028201). Algorithms developed to predict the effect of sequence changes on RNA splicing suggest that this variant may disrupt the consensus splice site. This variant is located in the I band of TTN (PMID: 25589632). Truncating variants in this region have been reported in individuals affected with autosomal recessive centronuclear myopathy (PMID: 23975875, internal data). Truncating variants in this region have also been identified in individuals affected with autosomal dominant dilated cardiomyopathy and/or cardio-related conditions (PMID: 27869827, 32964742, internal data). In summary, the currently available evidence indicates that the variant is pathogenic, but additional data are needed to prove that conclusively. Therefore, this variant has been classified as Likely Pathogenic.

Literature cited by the submitters: PubMed 25589632; PubMed 23975875; PubMed 27869827; PubMed 32964742.

NM_001267550.2(TTN):c.30223+1G>T

Gene: TTN (titin; minus strand). Cytogenetic location: 2q31.2.
Variant type: single nucleotide variant.
Coding change: c.30223+1G>T on transcript NM_001267550.2 (MANE Select); the canonical splice donor site of the intron after coding-DNA position 30223, G replaced by T.
Molecular consequence: splice donor variant. On other transcripts: intron variant (3).
Genome position (GRCh38, 1-based): chr2:178,704,146, C>A on the plus strand (G>T on the coding strand, the complement: TTN is on the minus strand). VCF-style: chr2-178704146-C-A. GRCh37 (hg19) VCF-style: chr2-179568873-C-A.
Other names: c.13282+33936G>T (NM_003319.4); c.13858+33936G>T (NM_133437.4); c.13657+33936G>T (NM_133432.3); c.26491+1G>T (NM_133378.4); c.29272+1G>T (NM_001256850.1).
Identifiers: ClinVar variation 2028201 (VCV002028201.4), dbSNP rs556408709, ClinGen allele CA349574107.
Genomic context (GRCh38, chr2:178,704,146, plus strand): 5'-TGCACAACATTTGCCATTGACCTATGCTGTACCCACAAGGACTCCATAGTGTTTCACGCA[C>A]CTTCGATTCTGAGTTCTGCTGAAGTTTCAAGGTCTTCATATTTGCAGGTGTACTGACCCT-3'